The following is an entry in ClinVar:

ClinVar aggregate classification (germline): Uncertain significance. Review status: criteria provided, multiple submitters, no conflicts (2 of 4 stars). 4 submissions from 4 submitters: Uncertain significance (4). Last evaluated 2025-06-23.

Conditions:
Cardiomyopathy (CMYO). Also called: Cardiomyopathies. Identifiers: Orphanet 167848, MedGen C0878544, MONDO:0004994, HP:0001638. Inheritance: Various modes of inheritance.
Catecholaminergic polymorphic ventricular tachycardia 1. Also called: VENTRICULAR TACHYCARDIA, CATECHOLAMINERGIC POLYMORPHIC, 1, WITH OR WITHOUT ATRIAL DYSFUNCTION AND/OR DILATED CARDIOMYOPATHY; RYR2-Related Catecholaminergic Polymorphic Ventricular Tachycardia; VENTRICULAR TACHYCARDIA, STRESS-INDUCED POLYMORPHIC 1. Identifiers: Orphanet 3286, MedGen C1631597, MONDO:0011484, OMIM 604772.
Catecholaminergic polymorphic ventricular tachycardia (CVPT). Also called: Catecholamine-induced polymorphic ventricular tachycardia. Identifiers: Orphanet 3286, MedGen C5574922, MONDO:0017990.

Allele frequency attached by ClinVar (database versions not stated): gnomAD exomes below 0.00001; TOPMed 0.00001.

Submissions (4):

Color Diagnostics, LLC DBA Color Health
Classification: Uncertain significance for Cardiomyopathy. Last evaluated: 2025-06-23. Review status: criteria provided, single submitter. Criteria: ACMG Guidelines, 2015. Collection method: clinical testing. Allele origin: germline.
Comment: This missense variant replaces arginine with glutamine at codon 2127 of the RYR2 protein. Computational prediction suggests that this variant may have deleterious impact on protein structure and function. To our knowledge, functional studies have not been reported for this variant. This variant has not been reported in individuals affected with RYR2-related disorders in the literature. This variant has been identified in 1/248884 chromosomes in the general population by the Genome Aggregation Database (gnomAD). The available evidence is insufficient to determine the role of this variant in disease conclusively. Therefore, this variant is classified as a Variant of Uncertain Significance.

Labcorp Genetics (formerly Invitae), Labcorp
Classification: Uncertain significance for Catecholaminergic polymorphic ventricular tachycardia 1. Last evaluated: 2024-10-04. Review status: criteria provided, single submitter. Criteria: Invitae Variant Classification Sherloc (09022015). Collection method: clinical testing. Allele origin: germline.
Comment: This sequence change replaces arginine, which is basic and polar, with glutamine, which is neutral and polar, at codon 2127 of the RYR2 protein (p.Arg2127Gln). This variant is not present in population databases (gnomAD no frequency). This variant has not been reported in the literature in individuals affected with RYR2-related conditions. ClinVar contains an entry for this variant (Variation ID: 43814). Invitae Evidence Modeling of protein sequence and biophysical properties (such as structural, functional, and spatial information, amino acid conservation, physicochemical variation, residue mobility, and thermodynamic stability) indicates that this missense variant is expected to disrupt RYR2 protein function with a positive predictive value of 95%. In summary, the available evidence is currently insufficient to determine the role of this variant in disease. Therefore, it has been classified as a Variant of Uncertain Significance.

All of Us Research Program, National Institutes of Health
Classification: Uncertain significance for Catecholaminergic polymorphic ventricular tachycardia. Last evaluated: 2023-12-01. Review status: criteria provided, single submitter. Criteria: ACMG Guidelines, 2015. Collection method: clinical testing. Allele origin: germline. Inheritance: Autosomal dominant inheritance. Observed: 1 variant allele, 1 heterozygote.
Comment: This study involves interpretation of variants in research participants for the purpose of population health screening. Participant phenotype was not available at the time of variant classification. Additional details can be found in publication PMID: 35346344, PMCID: PMC8962531

Laboratory for Molecular Medicine, Mass General Brigham Personalized Medicine
Classification: Uncertain significance. Last evaluated: 2013-03-08. Review status: criteria provided, single submitter. Criteria: LMM Criteria. Collection method: clinical testing. Allele origin: germline. Observed: 1 variant allele.
Comment: The Arg2127Gln variant in RYR2 has not been reported in the literature nor previ ously identified by our laboratory. This variant has also not been identified in broad European American and African American populations by the NHLBI Exome Seq uencing Project, though it may be present in other populations. Computational analyses (biochemical amino acid properties, co nservation, AlignGVGD, PolyPhen2, and SIFT) do not provide strong support for or against an impact to the protein. Additional information is needed to fully ass ess the clinical significance of the Arg2127Gln variant.

NM_001035.3(RYR2):c.6380G>A (p.Arg2127Gln)

Gene: RYR2 (ryanodine receptor 2; plus strand). Cytogenetic location: 1q43.
Variant type: single nucleotide variant.
Coding change: c.6380G>A on transcript NM_001035.3 (MANE Select); coding-DNA position 6380, G replaced by A.
Protein change: p.Arg2127Gln; replaces arginine 2127 with glutamine.
Molecular consequence: missense variant.
Genome position (GRCh38, 1-based): chr1:237,628,020, G>A. VCF-style: chr1-237628020-G-A. GRCh37 (hg19) VCF-style: chr1-237791320-G-A.
Other names: short protein forms R2127Q.
Identifiers: ClinVar variation 43814 (VCV000043814.10), dbSNP rs397516547, ClinGen allele CA010117.